The following is an entry in ClinVar:

ClinVar aggregate classification (germline): Likely benign. Review status: criteria provided, multiple submitters, no conflicts (2 of 4 stars). 3 submissions from 3 submitters: Likely benign (3). Last evaluated 2025-12-23.

Conditions:
GREB1L-related disorder. Also called: GREB1L-related condition.

Allele frequency attached by ClinVar (database versions not stated): ExAC 0.00005; gnomAD 0.00006 and 0.00011; TOPMed 0.00006; gnomAD exomes 0.00008 and 0.00009; 1000 Genomes Project 30x 0.00062; 1000 Genomes Project 0.00080.
gnomAD v4.1: 136 of 1,551,506 alleles (0.0088%); highest among the groups gnomAD compares: South Asian, 0.044%; 1 homozygote.

Submissions (3):

Labcorp Genetics (formerly Invitae), Labcorp
Classification: Likely benign. Last evaluated: 2025-12-23. Review status: criteria provided, single submitter. Criteria: Invitae Variant Classification Sherloc (09022015). Collection method: clinical testing. Allele origin: germline.

PreventionGenetics, part of Exact Sciences
Classification: Likely benign for GREB1L-related condition. Last evaluated: 2025-05-22. Review status: criteria provided, single submitter. Criteria: ACMG Guidelines, 2015. Collection method: clinical testing. Allele origin: germline.
Comment: This variant is classified as likely benign based on ACMG/AMP sequence variant interpretation guidelines (Richards et al. 2015 PMID: 25741868, with internal and published modifications).

CeGaT Center for Human Genetics Tuebingen
Classification: Likely benign. Last evaluated: 2025-02-01. Review status: criteria provided, single submitter. Criteria: CeGaT Center For Human Genetics Tuebingen Variant Classification Criteria Version 2. Collection method: clinical testing. Allele origin: germline. Affected: yes. Observed: 1 variant allele.
Comment: GREB1L: BP4, BP7

NM_001142966.3(GREB1L):c.5133T>C (p.Tyr1711=)

Gene: GREB1L (GREB1 like retinoic acid receptor coactivator; plus strand). Cytogenetic location: 18q11.2.
Variant type: single nucleotide variant.
Coding change: c.5133T>C on transcript NM_001142966.3 (MANE Select); coding-DNA position 5133, T replaced by C.
Protein change: p.Tyr1711=; no amino-acid change (tyrosine 1711 retained).
Molecular consequence: synonymous variant.
Genome position (GRCh38, 1-based): chr18:21,516,616, T>C. VCF-style: chr18-21516616-T-C. GRCh37 (hg19) VCF-style: chr18-19096577-T-C.
Identifiers: ClinVar variation 764105 (VCV000764105.22), dbSNP rs536825763, ClinGen allele CA8906724.